The following is an entry in ClinVar:

NM_001034853.2(RPGR):c.28+1G>A

Genes: RPGR (retinitis pigmentosa GTPase regulator; minus strand), LOC130068098 (ATAC-STARR-seq lymphoblastoid silent region 20735; plus strand). Cytogenetic location: Xp11.4.
Variant type: single nucleotide variant.
Coding change: c.28+1G>A on transcript NM_001034853.2 (MANE Select); the canonical splice donor site of the intron after coding-DNA position 28, G replaced by A.
Molecular consequence: splice donor variant.
Genome position (GRCh38, 1-based): chrX:38,327,339, C>T on the plus strand (G>A on the coding strand, the complement: RPGR is on the minus strand). VCF-style: chrX-38327339-C-T. GRCh37 (hg19) VCF-style: chrX-38186592-C-T.
Other names: c.28+1G>A (NM_001367249.1, NM_001367250.1, NM_001367245.1 and 4 more transcripts).
Identifiers: ClinVar variation 98771 (VCV000098771.13), dbSNP rs62638627, ClinGen allele CA226400.

ClinVar aggregate classification (germline): Pathogenic. Review status: reviewed by expert panel (3 of 4 stars). 6 submissions from 6 submitters: Pathogenic (1). 5 of the submissions do not count toward it. Last evaluated 2025-09-05.

Conditions:
RPGR-related disorder. Also called: RPGR-related condition.
RPGR-related retinopathy. Also called: RPGR retinopathy. Identifiers: MedGen CN305589, MONDO:0100437.
Primary ciliary dyskinesia. Also called: Ciliary dyskinesia. Identifiers: Orphanet 244, MedGen C0008780, MONDO:0016575, HP:0012265.

Submissions (6):

ClinGen X-linked Inherited Retinal Disease Variant Curation Expert Panel, ClinGen
Classification: Pathogenic for RPGR-related retinopathy. Last evaluated: 2025-09-05. Review status: reviewed by expert panel. Criteria: ClinGen X LinkedIRD ACMG Specifications RPGR V1.0.0. Collection method: curation. Allele origin: germline. Inheritance: X-linked inheritance.
Comment: NM_001034853.2(RPGR):c.28+1G>A is a canonical splice site variant in intron 1 that is predicted to disrupt splicing and induce exon skipping, which is expected to disrupt a critical functional domain in RPGR (PVS1). This variant is absent from hemizygotes in gnomAD v4.1.0 (PM2_Supporting). This variant has been reported in at least 2 apparently unrelated probands meeting one of the PS4 requirements of a male with some functional vision impairment by age 30 years and/or decreased or absent electroretinogram responses, or a female with functional visual abnormality and documentation of a male relative affected with retinitis pigmentosa (PMID: 10937588, PMID: 23681342, PS4_Supporting). Other publications report on probands carrying this variant but did not meet the requirements for inclusion in the PS4 code (PMID: 10480356, PMID: 10737996, PMID: 17724181). In summary, this variant is classified as pathogenic for RPGR-related retinopathy based on the ClinGen X-linked Inherited Retinal Disease Expert Panel Specifications to the ACMG/AMP Variant Interpretation Guidelines for RPGR Version 1.0.0; PVS1, PM2_Supporting, and PS4_Supporting.

3billion
Classification: Pathogenic for RPGR-related disorder. Last evaluated: 2025-09-11. Review status: criteria provided, single submitter. Criteria: ACMG Guidelines, 2015. Collection method: clinical testing. Allele origin: germline. Affected: yes. Not counted in ClinVar's aggregate classification.
Comment: The variant is not observed in the gnomAD v4.1.0 dataset. Predicted Consequence/Location: Canonical splice site: predicted to alter splicing and result in a loss or disruption of normal protein function. Multiple pathogenic loss-of-function variants are reported downstream of the variant. In silico tools predict the variant to alter splicing and produce an abnormal transcript [SpliceAI: 0.95 (spliceogenicity >=0.2, non-spliceogenicity <0.1)]. The variant has been reported at least twice as pathogenic without evidence for the classification (ClinVar ID: VCV000098771 /PMID: 10480356). Therefore, this variant is classified as Pathogenic according to the recommendation of ACMG/AMP guideline.

Labcorp Genetics (formerly Invitae), Labcorp
Classification: Pathogenic for Primary ciliary dyskinesia. Last evaluated: 2022-07-27. Review status: criteria provided, single submitter. Criteria: Invitae Variant Classification Sherloc (09022015). Collection method: clinical testing. Allele origin: germline. Not counted in ClinVar's aggregate classification.
Comment: For these reasons, this variant has been classified as Pathogenic. Algorithms developed to predict the effect of sequence changes on RNA splicing suggest that this variant may disrupt the consensus splice site. ClinVar contains an entry for this variant (Variation ID: 98771). This variant is also known as 86plus1 G>A. Disruption of this splice site has been observed in individuals with clinical features of retinitis pigmentosa (PMID: 10480356; Invitae). This variant is not present in population databases (gnomAD no frequency). This sequence change affects a donor splice site in intron 1 of the RPGR gene. It is expected to disrupt RNA splicing. Variants that disrupt the donor or acceptor splice site typically lead to a loss of protein function (PMID: 16199547), and loss-of-function variants in RPGR are known to be pathogenic (PMID: 16055928, 16969763).

Blueprint Genetics
Classification: Pathogenic for RPGR-related disorders. Last evaluated: 2018-11-27. Review status: criteria provided, single submitter. Criteria: ACMG Guidelines, 2015. Collection method: clinical testing. Allele origin: germline. Affected: yes. Observed: 3 variant alleles. Not counted in ClinVar's aggregate classification.

PreventionGenetics, part of Exact Sciences
Classification: Pathogenic. Last evaluated: 2018-05-29. Review status: criteria provided, single submitter. Criteria: ACMG Guidelines, 2015. Collection method: clinical testing. Allele origin: germline. Not counted in ClinVar's aggregate classification.

Retina International
No classification provided. Review status: no classification provided. Collection method: not provided. Allele origin: not provided. Not counted in ClinVar's aggregate classification.

Literature cited by the submitters: PubMed 10480356 (cited by 3billion and Labcorp Genetics (formerly Invitae), Labcorp); PubMed 16199547 (cited by Labcorp Genetics (formerly Invitae), Labcorp); PubMed 16055928 (cited by Labcorp Genetics (formerly Invitae), Labcorp); PubMed 16969763 (cited by Labcorp Genetics (formerly Invitae), Labcorp).